The following is an entry in ClinVar:

ClinVar aggregate classification (germline): Benign/Likely benign. Review status: criteria provided, multiple submitters, no conflicts (2 of 4 stars). 2 submissions from 2 submitters: Benign (1); Likely benign (1). Last evaluated 2026-01-15.

Allele frequency attached by ClinVar (database versions not stated): ESP Exome Variant Server 0.00485; gnomAD 0.00488 and 0.00460; 1000 Genomes Project 0.00499; TOPMed 0.00509; 1000 Genomes Project 30x 0.00562; ExAC 0.00136.

Submissions (2):

Labcorp Genetics (formerly Invitae), Labcorp
Classification: Benign. Last evaluated: 2026-01-15. Review status: criteria provided, single submitter. Criteria: Invitae Variant Classification Sherloc (09022015). Collection method: clinical testing. Allele origin: germline.

Center for Pediatric Genomic Medicine, Children's Mercy Hospital and Clinics
Classification: Likely benign. Last evaluated: 2017-01-05. Review status: criteria provided, single submitter. Criteria: ACMG Guidelines, 2015. Collection method: clinical testing. Allele origin: germline.
ClinVar note: Converted during submission from Likely Benign to Likely benign.

NM_000522.5(HOXA13):c.633G>T (p.Met211Ile)

Genes: HOXA13 (homeobox A13; minus strand), LOC107126288 (NUP98-HOXA13 recombination region; plus strand). Cytogenetic location: 7p15.2.
Variant type: single nucleotide variant.
Coding change: c.633G>T on transcript NM_000522.5 (MANE Select); coding-DNA position 633, G replaced by T.
Protein change: p.Met211Ile; replaces methionine 211 with isoleucine.
Molecular consequence: missense variant.
Genome position (GRCh38, 1-based): chr7:27,199,445, C>A on the plus strand (G>T on the coding strand, the complement: HOXA13 is on the minus strand). VCF-style: chr7-27199445-C-A. GRCh37 (hg19) VCF-style: chr7-27239064-C-A.
Other names: short protein forms M211I.
Identifiers: ClinVar variation 376765 (VCV000376765.13), dbSNP rs35277569, ClinGen allele CA4198648.